The following is an entry in ClinVar:

NM_017837.4(PIGV):c.792_795delinsGTGGGGACAGTGCAAAACCAGACAACCCAGGTCATGAAGTGCAACTGCAGCCAACATGAAGAACAAGAAATTGAGTGATGCTACCGAAATCA (p.Cys264_Leu265delinsTrpTrpGlyGlnCysLysThrArgGlnProArgSerTer)

Gene: PIGV (phosphatidylinositol glycan anchor biosynthesis class V; plus strand). Cytogenetic location: 1p36.11.
Variant type: Indel.
Coding change: c.792_795delinsGTGGGGACAGTGCAAAACCAGACAACCCAGGTCATGAAGTGCAACTGCAGCCAACATGAAGAACAAGAAATTGAGTGATGCTACCGAAATCA on transcript NM_017837.4 (MANE Select); coding-DNA positions 792 to 795, the reference bases replaced by an inserted sequence.
Protein change: p.Cys264_Leu265delinsTrpTrpGlyGlnCysLysThrArgGlnProArgSerTer.
Molecular consequence: nonsense. On other transcripts: non-coding transcript variant (1), intron variant (3).
Genome position (GRCh38, 1-based): chr1:26,794,826-26,794,829, 4 bases replaced. GRCh37 (hg19): chr1:27,121,317-27,121,320.
Other names: c.792_795delinsGTGGGGACAGTGCAAAACCAGACAACCCAGGTCATGAAGTGCAACTGCAGCCAACATGAAGAACAAGAAATTGAGTGATGCTACCGAAATCA, p.Cys264_Leu265delinsTrpTrpGlyGlnCysLysThrArgGlnProArgSerTer (NM_001202554.2, NM_001374478.1, NM_001374480.1 and 2 more transcripts); c.411_414delinsGTGGGGACAGTGCAAAACCAGACAACCCAGGTCATGAAGTGCAACTGCAGCCAACATGAAGAACAAGAAATTGAGTGATGCTACCGAAATCA, p.Cys137_Leu138delinsTrpTrpGlyGlnCysLysThrArgGlnProArgSerTer (NM_001374483.1); c.173-8_173-5delinsGTGGGGACAGTGCAAAACCAGACAACCCAGGTCATGAAGTGCAACTGCAGCCAACATGAAGAACAAGAAATTGAGTGATGCTACCGAAATCA (NM_001374484.1, NM_001374485.1); c.79-2737_79-2734delinsGTGGGGACAGTGCAAAACCAGACAACCCAGGTCATGAAGTGCAACTGCAGCCAACATGAAGAACAAGAAATTGAGTGATGCTACCGAAATCA (NM_001374486.1).
Identifiers: ClinVar variation 2081643 (VCV002081643.4), dbSNP rs2522173126, ClinGen allele CA2580062691.

ClinVar aggregate classification (germline): Uncertain significance (1 of 4 stars; one submission).

Submission:

Labcorp Genetics (formerly Invitae), Labcorp
Classification: Uncertain significance. Last evaluated: 2025-10-13. Review status: criteria provided, single submitter. Criteria: Invitae Variant Classification Sherloc (09022015). Collection method: clinical testing. Allele origin: germline.
Comment: This sequence change creates a premature translational stop signal (p.Cys264delinsTrpTrpGlyGlnCysLysThrArgGlnProArgSer*) in the PIGV gene. It is expected to result in an absent or disrupted protein product. However, the current clinical and genetic evidence is not sufficient to establish whether loss-of-function variants in PIGV cause disease. This variant is not present in population databases (gnomAD no frequency). This variant has not been reported in the literature in individuals affected with PIGV-related conditions. ClinVar contains an entry for this variant (Variation ID: 2081643). In summary, the available evidence is currently insufficient to determine the role of this variant in disease. Therefore, it has been classified as a Variant of Uncertain Significance.